The following is an entry in ClinVar:

NM_007294.4(BRCA1):c.101C>A (p.Pro34His)

Gene: BRCA1 (BRCA1 DNA repair associated; minus strand). Cytogenetic location: 17q21.31.
Variant type: single nucleotide variant.
Coding change: c.101C>A on transcript NM_007294.4 (MANE Select); coding-DNA position 101, C replaced by A.
Protein change: p.Pro34His; replaces proline 34 with histidine.
Molecular consequence: missense variant. On other transcripts: non-coding transcript variant (1), intron variant (1).
Genome position (GRCh38, 1-based): chr17:43,115,759, G>T on the plus strand (C>A on the coding strand, the complement: BRCA1 is on the minus strand). VCF-style: chr17-43115759-G-T. GRCh37 (hg19) VCF-style: chr17-41267776-G-T.
Other names: c.101C>A, p.Pro34His (NM_001408402.1, NM_001408403.1, NM_001408404.1 and 192 more transcripts); c.-41C>A (NM_001408410.1, NM_001408452.1, NM_001408453.1 and 47 more transcripts); c.-157C>A (NM_001408455.1, NM_001408456.1, NM_001408468.1 and 13 more transcripts); c.-161C>A (NM_001408465.1, NM_001407695.1); c.-88C>A (NM_001408478.1, NM_001408479.1, NM_001408480.1 and 52 more transcripts); c.-204C>A (NM_001408492.1, NM_001407889.1, NM_001407900.1); c.-203C>A (NM_001408510.1, NM_001408512.1, NM_001407960.1 and 1 more transcripts); c.-8+8258C>A (NM_007297.4); and 2 more; short protein forms P34H.
Identifiers: ClinVar variation 867485 (VCV000867485.3), dbSNP rs786203319, ClinGen allele CA10601950.

Conditions:
Breast-ovarian cancer, familial, susceptibility to, 1 (BROVCA1). Also called: BRCA1 Hereditary Breast and Ovarian Cancer; OVARIAN CANCER, SUSCEPTIBILITY TO. Identifiers: Orphanet 145, MedGen C2676676, MONDO:0011450, OMIM 604370. Disease mechanism: loss of function.

Submission:

Brotman Baty Institute, University of Washington
No classification provided (evidence only). Condition: Breast-ovarian cancer, familial 1. Review status: no classification provided. Collection method: in vitro. Allele origin: not applicable. Functional consequence: functionally_abnormal.
ClinVar note: "not provided" was previously submitted as the classification for the variant. However, the classification appeared to be based only on an observation of functional data so it was converted to no classification on 2025-07-30.